The following is an entry in ClinVar:

ClinVar aggregate classification (germline): Likely benign (0 of 4 stars; one submission).

Conditions:
PLCE1-related disorder. Also called: PLCE1-related condition.

Allele frequency attached by ClinVar (database versions not stated): ESP Exome Variant Server 0.00008; TOPMed 0.00009; gnomAD 0.00011.
gnomAD v4.1: 29 of 1,591,802 alleles (0.0018%); highest among the groups gnomAD compares: African/African-American, 0.038%; no homozygotes.

Submission:

PreventionGenetics, part of Exact Sciences
Classification: Likely benign for PLCE1-related condition. Last evaluated: 2020-01-20. Review status: no assertion criteria provided. Collection method: clinical testing. Allele origin: germline.
Comment: This variant is classified as likely benign based on ACMG/AMP sequence variant interpretation guidelines (Richards et al. 2015 PMID: 25741868, with internal and published modifications).

NM_016341.4(PLCE1):c.4053+7G>A

Gene: PLCE1 (phospholipase C epsilon 1; plus strand). Cytogenetic location: 10q23.33.
Variant type: single nucleotide variant.
Coding change: c.4053+7G>A on transcript NM_016341.4 (MANE Select); 7 bases into the intron after coding-DNA position 4053, G replaced by A.
Molecular consequence: intron variant.
Genome position (GRCh38, 1-based): chr10:94,262,739, G>A. VCF-style: chr10-94262739-G-A. GRCh37 (hg19) VCF-style: chr10-96022496-G-A.
Other names: c.4005+7G>A (NM_001288989.2); c.3129+7G>A (NM_001165979.2).
Identifiers: ClinVar variation 3051180 (VCV003051180.2), dbSNP rs373429732, ClinGen allele CA211621054.
Genomic context (GRCh38, chr10:94,262,739, plus strand): 5'-GTGAATTGCCAAGGAGAACACTGCACTTATGATGAAATCCTCAGCATCATCCAGGTTTGT[G>A]CCTGTTTTGTGTGTGCATGTGTGTGTGATGCCTCTGGCTATTCTAATAATTTGCTGCTAA-3'